The following is an entry in ClinVar:

ClinVar aggregate classification (germline): Uncertain significance (1 of 4 stars; one submission).

gnomAD v4.1: 4 of 1,566,076 alleles (0.00026%); highest among the groups gnomAD compares: Non-Finnish European, 0.00026%; no homozygotes.

Submission:

Ambry Genetics
Classification: Uncertain significance. Last evaluated: 2025-04-11. Review status: criteria provided, single submitter. Criteria: Ambry Variant Classification Scheme 2023. Collection method: clinical testing. Allele origin: germline.
Comment: The c.198+3A>G intronic variant results from an A to G substitution 3 nucleotides after coding exon 2 in the RAD51B gene. This nucleotide position is well conserved in available vertebrate species. In silico splice site analysis predicts that this alteration will weaken the native splice donor site. Based on the available evidence, the clinical significance of this variant remains unclear.

NM_133510.4(RAD51B):c.198+3A>G

Gene: RAD51B (RAD51 paralog B; plus strand). Cytogenetic location: 14q24.1.
Variant type: single nucleotide variant.
Coding change: c.198+3A>G on transcript NM_133510.4 (MANE Select); 3 bases into the intron after coding-DNA position 198, A replaced by G.
Molecular consequence: intron variant.
Genome position (GRCh38, 1-based): chr14:67,825,580, A>G. VCF-style: chr14-67825580-A-G. GRCh37 (hg19) VCF-style: chr14-68292297-A-G.
Other names: c.198+3A>G (NM_001321818.2, NM_001321809.2, NM_001321821.2 and 6 more transcripts); c.-258+3A>G (NM_001321817.2); c.84+3A>G (NM_001321815.1).
Identifiers: ClinVar variation 3942246 (VCV003942246.1).
Genomic context (GRCh38, chr14:67,825,580, plus strand): 5'-AGGTGTCCATGAACTTCTATGTATGGTCAGCAGGGCCTGTGCCCCAAAGATGCAAACGGT[A>G]TATTTATATTTTATTATGATTTGATTATGAATGATTCCTCATCTCATTAAACATGTTTTT-3'